The following is an entry in ClinVar:

ClinVar aggregate classification (germline): Uncertain significance (1 of 4 stars; one submission).

Conditions:
Familial intrahepatic cholestasis. Identifiers: Orphanet 284385, MedGen CN296401, MONDO:0017290.

Submission:

Genomenon, Inc
Classification: Uncertain significance for Familial intrahepatic cholestasis. Last evaluated: 2026-04-14. Review status: criteria provided, single submitter. Criteria: Genomenon Sequence Variant Interpretation Standards - Updated. Collection method: curation. Allele origin: germline. Affected: yes.
Comment: ABCB11 c.2814+3A>T is an intronic variant located in the donor splice region of intron 22. This variant has been observed in at least one proband with an ABCB11-related disorder (PMID:25565657;31450232). It is absent or not present at a significant frequency in gnomAD. In silico models predict that this variant is possibly or probably damaging. In conclusion, we classify ABCB11 c.2814+3A>T as a variant of uncertain significance.

Literature cited by the submitters: PubMed 25565657; PubMed 31450232.

NM_003742.4(ABCB11):c.2814+3A>T

Genes: ABCB11 (ATP binding cassette subfamily B member 11; minus strand), LOC126806400 (CDK7 strongly-dependent group 2 enhancer GRCh37_chr2:169791870-169793069; plus strand). Cytogenetic location: 2q31.1.
Variant type: single nucleotide variant.
Coding change: c.2814+3A>T on transcript NM_003742.4 (MANE Select); 3 bases into the intron after coding-DNA position 2814, A replaced by T.
Molecular consequence: intron variant.
Genome position (GRCh38, 1-based): chr2:168,936,227, T>A on the plus strand (A>T on the coding strand, the complement: ABCB11 is on the minus strand). VCF-style: chr2-168936227-T-A. GRCh37 (hg19) VCF-style: chr2-169792737-T-A.
Identifiers: ClinVar variation 4846702 (VCV004846702.1).
Genomic context (GRCh38, chr2:168,936,227, plus strand): 5'-TTAACAGTTTGTCTGATAGCCACTCAGCCATGAGGAATGGGAAAATTAGATCTGCAAGAT[T>A]ACCTGTCCCACCATCTCCAGGGCCTGCTTATCTCGAGAGGCAAATCCTGTCAACATCCTG-3'